The following is an entry in ClinVar:

NM_015346.4(ZFYVE26):c.3366_3368delinsTGAGTCT (p.Ala1124fs)

Gene: ZFYVE26 (zinc finger FYVE-type containing 26; minus strand). Cytogenetic location: 14q24.1.
Variant type: Indel.
Coding change: c.3366_3368delinsTGAGTCT on transcript NM_015346.4 (MANE Select); coding-DNA positions 3366 to 3368, AGA replaced by TGAGTCT.
Protein change: p.Ala1124fs; shifts the reading frame from alanine 1124.
Molecular consequence: frameshift variant.
Genome position (GRCh38, 1-based): chr14:67,785,214-67,785,216, TCT replaced by AGACTCA on the plus strand (AGA replaced by TGAGTCT on the coding strand, the reverse complement: ZFYVE26 is on the minus strand). VCF-style: chr14-67785214-TCT-AGACTCA. GRCh37 (hg19) VCF-style: chr14-68251931-TCT-AGACTCA.
Other names: short protein forms A1124fs.
Identifiers: ClinVar variation 1724739 (VCV001724739.2), dbSNP rs2502814183, ClinGen allele CA2580088609.

ClinVar aggregate classification (germline): Likely pathogenic (1 of 4 stars; one submission).

Conditions:
Hereditary spastic paraplegia 15 (SPG15). Also called: SPASTIC PARAPLEGIA 15, AUTOSOMAL RECESSIVE; KJELLIN SYNDROME; SPASTIC PARAPLEGIA AND RETINAL DEGENERATION. Identifiers: Orphanet 100996, MedGen C1849128, MONDO:0010044, OMIM 270700.

Submission:

Myriad Genetics, Inc.
Classification: Likely pathogenic for Hereditary spastic paraplegia 15. Last evaluated: 2022-02-25. Review status: criteria provided, single submitter. Criteria: Myriad Women's Health Autosomal Recessive and X-Linked Classification Criteria (2021). Collection method: clinical testing. Allele origin: unknown.
Comment: NM_015346.3(ZFYVE26):c.3366_3368del3ins7(A1124Sfs*51) is expected to be pathogenic in the context of spastic paraplegia type 15. This variant is predicted to lead to an abnormal or absent protein product due to the creation of a premature termination codon in ZFYVE26, a gene where loss-of-function variants are known to be pathogenic. Please note: this variant was assessed in the context of healthy population screening.